The following is an entry in ClinVar:

NM_019616.4(F7):c.481G>A (p.Asp161Asn)

Gene: F7 (coagulation factor VII; plus strand). Cytogenetic location: 13q34.
Variant type: single nucleotide variant.
Coding change: c.481G>A on transcript NM_019616.4 (MANE Select); coding-DNA position 481, G replaced by A.
Protein change: p.Asp161Asn; replaces aspartic acid 161 with asparagine.
Molecular consequence: missense variant. On other transcripts: non-coding transcript variant (1).
Genome position (GRCh38, 1-based): chr13:113,115,776, G>A. VCF-style: chr13-113115776-G-A. GRCh37 (hg19) VCF-style: chr13-113770090-G-A.
Other names: c.547G>A, p.Asp183Asn (NM_000131.5); c.295G>A, p.Asp99Asn (NM_001267554.2); short protein forms D161N, D99N, D183N.
Identifiers: ClinVar variation 883753 (VCV000883753.4), dbSNP rs1258691292, ClinGen allele CA388784453.

ClinVar aggregate classification (germline): Uncertain significance. Review status: criteria provided, multiple submitters, no conflicts (2 of 4 stars). 2 submissions from 2 submitters: Uncertain significance (2). Last evaluated 2025-06-03.

Conditions:
Factor VII deficiency. Also called: Factor 7 deficiency; F7 DEFICIENCY; HYPOPROCONVERTINEMIA. Identifiers: MedGen C0015503, MeSH D005168, MONDO:0002244.

Allele frequency attached by ClinVar (database versions not stated): TOPMed below 0.00001; gnomAD exomes 0.00001.
gnomAD v4.1: 7 of 1,613,290 alleles (0.00043%); highest among the groups gnomAD compares: Non-Finnish European, 0.00051%; no homozygotes.

Submissions (2):

Women's Health and Genetics/Laboratory Corporation of America, LabCorp
Classification: Uncertain significance. Last evaluated: 2025-06-03. Review status: criteria provided, single submitter. Criteria: LabCorp Variant Classification Summary - May 2015. Collection method: clinical testing. Allele origin: germline.
Comment: Variant summary: F7 c.547G>A (p.Asp183Asn) results in a conservative amino acid change in the encoded protein sequence. Algorithms developed to predict the effect of missense changes on protein structure and function are either unavailable or do not agree on the potential impact of this missense change. The variant allele was found at a frequency of 8e-06 in 250440 control chromosomes (gnomAD). The available data on variant occurrences in the general population are insufficient to allow any conclusion about variant significance. c.547G>A has been observed in individuals affected with Congenital factor VII deficiency (Hermann_2009, Preisler_2009). These reports do not provide unequivocal conclusions about association of the variant with Congenital factor VII deficiency. To our knowledge, no experimental evidence demonstrating an impact on protein function has been reported. The following publications have been ascertained in the context of this evaluation (PMID: 18976247, 33477601). ClinVar contains an entry for this variant (Variation ID: 883753). Based on the evidence outlined above, the variant was classified as uncertain significance.

Illumina Laboratory Services, Illumina
Classification: Uncertain significance for Congenital factor VII deficiency. Last evaluated: 2017-04-27. Review status: criteria provided, single submitter. Criteria: ICSL Variant Classification Criteria 13 December 2019. Collection method: clinical testing. Allele origin: germline.
Comment: This variant was observed as part of a predisposition screen in an ostensibly healthy population. A literature search was performed for the gene, cDNA change, and amino acid change (where applicable). Publications were found based on this search. However, the evidence from the literature, in combination with allele frequency data from public databases where available, was not sufficient to rule this variant in or out of causing disease. Therefore, this variant is classified as a variant of unknown significance.

Literature cited by the submitters: PubMed 33477601 (cited by Women's Health and Genetics/Laboratory Corporation of America, LabCorp); PubMed 18976247 (cited by Women's Health and Genetics/Laboratory Corporation of America, LabCorp and Illumina Laboratory Services, Illumina).